The following is an entry in ClinVar:

ClinVar aggregate classification (germline): Likely benign. Review status: criteria provided, multiple submitters, no conflicts (2 of 4 stars). 8 submissions from 5 submitters: Likely benign (8). Last evaluated 2025-12-08.

Conditions:
Malignant hyperthermia, susceptibility to, 5 (MHS5). Also called: CACNA1S-Related Malignant Hyperthermia Susceptibility. Identifiers: Orphanet 423, MedGen C1866077, MONDO:0011163, OMIM 601887.
Hypokalemic periodic paralysis, type 1. Also called: HypoPP; Hypokalemic Periodic Paralysis Type 1 (AD). Identifiers: Orphanet 681, MedGen C3714580, MONDO:0042979, OMIM 170400.
Thyrotoxic periodic paralysis, susceptibility to, 1 (TTPP1). Identifiers: Orphanet 79102, MedGen C2749982, MONDO:0008570, OMIM 188580.
Congenital myopathy 18. Also called: Myopathy, congenital, due to dihydropyridine receptor defect; DIHYDROPYRIDINE RECEPTOR CONGENITAL MYOPATHY; DHPR CONGENITAL MYOPATHY. Identifiers: MedGen C5830283, MONDO:0859514, OMIM 620246.

Submissions (8):

Labcorp Genetics (formerly Invitae), Labcorp
Classification: Likely benign for Hypokalemic periodic paralysis, type 1; Malignant hyperthermia, susceptibility to, 5. Last evaluated: 2025-12-08. Review status: criteria provided, single submitter. Criteria: Invitae Variant Classification Sherloc (09022015). Collection method: clinical testing. Allele origin: germline.

Blueprint Genetics
Classification: Likely benign. Last evaluated: 2023-12-15. Review status: criteria provided, single submitter. Criteria: ACMG Guidelines, 2015. Collection method: clinical testing. Allele origin: germline.

Color Diagnostics, LLC DBA Color Health
Classification: Likely benign for Malignant hyperthermia, susceptibility to, 5. Last evaluated: 2023-05-01. Review status: criteria provided, single submitter. Criteria: ACMG Guidelines, 2015. Collection method: clinical testing. Allele origin: germline.

Genome-Nilou Lab
Classification: Likely benign for Malignant hyperthermia, susceptibility to, 5. Last evaluated: 2023-04-11. Review status: criteria provided, single submitter. Criteria: ACMG Guidelines, 2015. Collection method: clinical testing. Allele origin: germline. Affected: no.

Genome-Nilou Lab
Classification: Likely benign for Thyrotoxic periodic paralysis, susceptibility to, 1. Last evaluated: 2023-04-11. Review status: criteria provided, single submitter. Criteria: ACMG Guidelines, 2015. Collection method: clinical testing. Allele origin: germline. Affected: no.

Genome-Nilou Lab
Classification: Likely benign for Congenital myopathy 18. Last evaluated: 2023-04-11. Review status: criteria provided, single submitter. Criteria: ACMG Guidelines, 2015. Collection method: clinical testing. Allele origin: germline. Affected: no.

Genome-Nilou Lab
Classification: Likely benign for Hypokalemic periodic paralysis, type 1. Last evaluated: 2023-04-11. Review status: criteria provided, single submitter. Criteria: ACMG Guidelines, 2015. Collection method: clinical testing. Allele origin: germline. Affected: no.

GeneDx
Classification: Likely benign. Last evaluated: 2017-08-04. Review status: criteria provided, single submitter. Criteria: GeneDx Variant Classification (06012015). Collection method: clinical testing. Allele origin: germline. Affected: yes.
Comment: This variant is considered likely benign or benign based on one or more of the following criteria: it is a conservative change, it occurs at a poorly conserved position in the protein, it is predicted to be benign by multiple in silico algorithms, and/or has population frequency not consistent with disease.

NM_000069.3(CACNA1S):c.2854-33CCTC[6]

Gene: CACNA1S (calcium voltage-gated channel subunit alpha1 S; minus strand). Cytogenetic location: 1q32.1.
Variant type: Microsatellite.
Coding change: c.2854-33CCTC[6] on transcript NM_000069.3 (MANE Select); six copies in a row of the 4-base unit CCTC starting at c.2854-33; the reference has five copies in a row; one copy, 4 bases duplicated.
Molecular consequence: intron variant.
Genome position (GRCh38, 1-based): chr1:201,062,528-201,062,531, GAGG duplicated on the plus strand (CCTC on the coding strand, the reverse complement: CACNA1S is on the minus strand); duplicating any 4 consecutive bases within chr1:201,062,528-201,062,547 gives the same sequence; the position shown is the placement nearest the transcript's 3' end. VCF-style (leftmost placement, unchanged base first): chr1-201062527-A-AGAGG. GRCh37 (hg19) VCF-style: chr1-201031655-A-AGAGG.
Other names: c.2854-17_2854-14dupCCTC (NM_000069.2); c.2854-17_2854-14dup (NM_000069.3).
Identifiers: ClinVar variation 511238 (VCV000511238.9), dbSNP rs747117832, ClinGen allele CA1321814.